The following is an entry in ClinVar:

ClinVar aggregate classification (germline): Pathogenic/Likely pathogenic. Review status: criteria provided, multiple submitters, no conflicts (2 of 4 stars). 4 submissions from 4 submitters: Pathogenic (3); Likely pathogenic (1). Last evaluated 2024-11-01.

Conditions:
Hereditary cancer-predisposing syndrome. Also called: Neoplastic Syndromes, Hereditary; Tumor predisposition; Hereditary Cancer Syndrome; Hereditary neoplastic syndrome. Identifiers: Orphanet 140162, MedGen C0027672, MeSH D009386, MONDO:0015356.
Familial cancer of breast. Also called: BREAST CANCER, FAMILIAL; Hereditary breast cancer; hereditary breast carcinoma. Identifiers: Orphanet 227535, MedGen C0346153, MONDO:0016419, OMIM 114480. Disease mechanism: loss of function.
Ataxia-telangiectasia syndrome (AT). Also called: LOUIS-BAR SYNDROME; Cerebello-oculocutaneous telangiectasia; Immunodeficiency with ataxia telangiectasia; Ataxia-telangiectasia, complementation group D; AT, COMPLEMENTATION GROUP C; ATAXIA-TELANGIECTASIA, COMPLEMENTATION GROUP A. Identifiers: Orphanet 100, MedGen C0004135, MONDO:0008840, OMIM 208900.

Submissions (4):

Labcorp Genetics (formerly Invitae), Labcorp
Classification: Pathogenic for Ataxia-telangiectasia syndrome. Last evaluated: 2024-11-01. Review status: criteria provided, single submitter. Criteria: Invitae Variant Classification Sherloc (09022015). Collection method: clinical testing. Allele origin: germline.
Comment: This sequence change affects an acceptor splice site in intron 25 of the ATM gene. It is expected to disrupt RNA splicing. Variants that disrupt the donor or acceptor splice site typically lead to a loss of protein function (PMID: 16199547), and loss-of-function variants in ATM are known to be pathogenic (PMID: 23807571, 25614872). This variant is not present in population databases (gnomAD no frequency). Disruption of this splice site has been observed in individual(s) with ataxia-telangiectasia (PMID: 21665257, 22213089). This variant is also known as IVS27-1G>T. ClinVar contains an entry for this variant (Variation ID: 1734510). Algorithms developed to predict the effect of sequence changes on RNA splicing suggest that this variant may disrupt the consensus splice site. For these reasons, this variant has been classified as Pathogenic.

Natera, Inc.
Classification: Likely pathogenic for Ataxia-telangiectasia. Last evaluated: 2024-09-19. Review status: criteria provided, single submitter. Criteria: Natera Variant Classification Schema (03/2026). Collection method: clinical testing. Allele origin: germline.
Comment: The c.3747-1G>T variant in ATM is a canonical splice acceptor site variant predicted to affect pre-mRNA splicing, which may result in an abnormal transcript and altered protein product. This variant is expected to result in nonsense mediated decay, truncation, or a dysfunctional protein product. This variant is rare in the general population with a frequency below the threshold expected for the associated phenotype(s). Given the available evidence, this variant is classified as Likely Pathogenic.

St. Jude Molecular Pathology, St. Jude Children's Research Hospital
Classification: Pathogenic for Familial cancer of breast. Last evaluated: 2023-10-18. Review status: criteria provided, single submitter. Criteria: St. Jude Assertion Criteria 2020. Collection method: clinical testing. Allele origin: germline.
Comment: The ATM c.3747-1G>T intronic change results from a G to T substitution at the -1 position of intron 25 of the ATM gene. This variant is predicted to result in abnormal gene splicing, resulting in nonsense-mediated decay or an abnormal protein product. This variant has been observed in an individual with ataxia-telangiectasia who also harbored a second mutation (PMID: 21665257). This variant is absent in gnomAD v2.1.1. In summary, this variant meets criteria to be classified as pathogenic.

Ambry Genetics
Classification: Pathogenic for Hereditary cancer-predisposing syndrome. Last evaluated: 2022-05-13. Review status: criteria provided, single submitter. Criteria: Ambry Variant Classification Scheme 2023. Collection method: clinical testing. Allele origin: germline.
Comment: The c.3747-1G>T intronic pathogenic mutation results from a G to T substitution one nucleotide upstream from coding exon 25 of the ATM gene. This variant has been identified likely in trans with an ATM pathogenic variant in an individual diagnosed with ataxia-telangiectasia (Micol R et al. J Allergy Clin Immunol, 2011 Aug;128:382-9.e1). This variant is considered to be rare based on population cohorts in the Genome Aggregation Database (gnomAD). In silico splice site analysis predicts that this alteration will weaken the native splice acceptor site and will result in the creation or strengthening of a novel splice acceptor site; however, direct evidence is insufficient at this time (Ambry internal data). In addition to the clinical data presented in the literature, alterations that disrupt the canonical splice site are expected to cause aberrant splicing, resulting in an abnormal protein or a transcript that is subject to nonsense-mediated mRNA decay. As such, this alteration is classified as a disease-causing mutation.

Literature cited by the submitters: PubMed 16199547 (cited by Labcorp Genetics (formerly Invitae), Labcorp); PubMed 23807571 (cited by Labcorp Genetics (formerly Invitae), Labcorp); PubMed 25614872 (cited by Labcorp Genetics (formerly Invitae), Labcorp); PubMed 21665257 (cited by Labcorp Genetics (formerly Invitae), Labcorp and Ambry Genetics); PubMed 22213089 (cited by Labcorp Genetics (formerly Invitae), Labcorp).

NM_000051.4(ATM):c.3747-1G>T

Gene: ATM (ATM serine/threonine kinase; plus strand). Cytogenetic location: 11q22.3.
Variant type: single nucleotide variant.
Coding change: c.3747-1G>T on transcript NM_000051.4 (MANE Select); the canonical splice acceptor site of the intron before coding-DNA position 3747, G replaced by T.
Molecular consequence: splice acceptor variant.
Genome position (GRCh38, 1-based): chr11:108,284,226, G>T. VCF-style: chr11-108284226-G-T. GRCh37 (hg19) VCF-style: chr11-108154953-G-T.
Other names: c.3747-1G>T (NM_001351834.2).
Identifiers: ClinVar variation 1734510 (VCV001734510.6), dbSNP rs730881364, ClinGen allele CA382524167.